The following is an entry in ClinVar:

NM_001014987.2(LAT):c.323C>T (p.Ala108Val)

Gene: LAT (linker for activation of T cells; plus strand). Cytogenetic location: 16p11.2.
Variant type: single nucleotide variant.
Coding change: c.323C>T on transcript NM_001014987.2 (MANE Select); coding-DNA position 323, C replaced by T.
Protein change: p.Ala108Val; replaces alanine 108 with valine.
Molecular consequence: missense variant.
Genome position (GRCh38, 1-based): chr16:28,986,552, C>T. VCF-style: chr16-28986552-C-T. GRCh37 (hg19) VCF-style: chr16-28997873-C-T.
Other names: c.320C>T, p.Ala107Val (NM_001014988.2); c.431C>T, p.Ala144Val (NM_001014989.2); c.323C>T, p.Ala108Val (NM_014387.4); short protein forms A108V, A144V, A107V.
Identifiers: ClinVar variation 1409251 (VCV001409251.6), dbSNP rs781688554, ClinGen allele CA7989949.

ClinVar aggregate classification (germline): Uncertain significance (1 of 4 stars; one submission).

Allele frequency attached by ClinVar (database versions not stated): ExAC 0.00002; gnomAD exomes 0.00002 and 0.00007; gnomAD 0.00003; TOPMed 0.00004.
gnomAD v4.1: 105 of 1,611,800 alleles (0.0065%); highest among the groups gnomAD compares: East Asian, 0.15%; no homozygotes.

Submission:

Labcorp Genetics (formerly Invitae), Labcorp
Classification: Uncertain significance. Last evaluated: 2025-08-21. Review status: criteria provided, single submitter. Criteria: Invitae Variant Classification Sherloc (09022015). Collection method: clinical testing. Allele origin: germline.
Comment: This sequence change replaces alanine, which is neutral and non-polar, with valine, which is neutral and non-polar, at codon 108 of the LAT protein (p.Ala108Val). This variant is present in population databases (rs781688554, gnomAD 0.01%). This variant has not been reported in the literature in individuals affected with LAT-related conditions. ClinVar contains an entry for this variant (Variation ID: 1409251). An algorithm developed to predict the effect of missense changes on protein structure and function (PolyPhen-2) suggests that this variant is likely to be tolerated. Algorithms developed to predict the effect of sequence changes on RNA splicing suggest that this variant may create or strengthen a splice site. In summary, the available evidence is currently insufficient to determine the role of this variant in disease. Therefore, it has been classified as a Variant of Uncertain Significance.